The following is an entry in ClinVar:

NM_000218.3(KCNQ1):c.1251+5G>A

Gene: KCNQ1 (potassium voltage-gated channel subfamily Q member 1; plus strand). Cytogenetic location: 11p15.5.
Variant type: single nucleotide variant.
Coding change: c.1251+5G>A on transcript NM_000218.3 (MANE Select); 5 bases into the intron after coding-DNA position 1251, G replaced by A.
Molecular consequence: intron variant.
Genome position (GRCh38, 1-based): chr11:2,587,697, G>A. VCF-style: chr11-2587697-G-A. GRCh37 (hg19) VCF-style: chr11-2608927-G-A.
Other names: c.981+5G>A (NM_001406837.1); c.1155+5G>A (NM_001406836.1); c.711+5G>A (NM_001406838.1); c.870+5G>A (NM_181798.2).
Identifiers: ClinVar variation 565928 (VCV000565928.9), dbSNP rs1564826087, ClinGen allele CA891842704.

ClinVar aggregate classification (germline): Uncertain significance. Review status: criteria provided, multiple submitters, no conflicts (2 of 4 stars). 2 submissions from 2 submitters: Uncertain significance (2). Last evaluated 2022-12-31.

Conditions:
Long QT syndrome (LQTS). Identifiers: MedGen C0023976, MeSH D008133, MONDO:0002442. Disease mechanism: loss of function. Inheritance: Various modes of inheritance.

Allele frequency attached by ClinVar (database versions not stated): gnomAD exomes below 0.00001.
gnomAD v4.1: 1 of 1,613,636 alleles (0.000062%); highest among the groups gnomAD compares: Non-Finnish European, 0.000085%; no homozygotes.

Submissions (2):

Labcorp Genetics (formerly Invitae), Labcorp
Classification: Uncertain significance for Long QT syndrome. Last evaluated: 2022-12-31. Review status: criteria provided, single submitter. Criteria: Invitae Variant Classification Sherloc (09022015). Collection method: clinical testing. Allele origin: germline.
Comment: Variants that disrupt the consensus splice site are a relatively common cause of aberrant splicing (PMID: 17576681, 9536098). Algorithms developed to predict the effect of sequence changes on RNA splicing suggest that this variant may disrupt the consensus splice site. In summary, the available evidence is currently insufficient to determine the role of this variant in disease. Therefore, it has been classified as a Variant of Uncertain Significance. ClinVar contains an entry for this variant (Variation ID: 565928). This variant has not been reported in the literature in individuals affected with KCNQ1-related conditions. This variant is not present in population databases (gnomAD no frequency). This sequence change falls in intron 9 of the KCNQ1 gene. It does not directly change the encoded amino acid sequence of the KCNQ1 protein. It affects a nucleotide within the consensus splice site.

Blueprint Genetics
Classification: Uncertain significance. Last evaluated: 2022-03-07. Review status: criteria provided, single submitter. Criteria: ACMG Guidelines, 2015. Collection method: clinical testing. Allele origin: germline.

Literature cited by the submitters: PubMed 17576681 (cited by Labcorp Genetics (formerly Invitae), Labcorp); PubMed 9536098 (cited by Labcorp Genetics (formerly Invitae), Labcorp).